The following is an entry in ClinVar:

NM_001382273.1(TNK2):c.2077C>T (p.Arg693Trp)

Gene: TNK2 (tyrosine kinase non receptor 2; minus strand). Cytogenetic location: 3q29.
Variant type: single nucleotide variant.
Coding change: c.2077C>T on transcript NM_001382273.1 (MANE Select); coding-DNA position 2077, C replaced by T.
Protein change: p.Arg693Trp; replaces arginine 693 with tryptophan.
Molecular consequence: missense variant. On other transcripts: non-coding transcript variant (15).
Genome position (GRCh38, 1-based): chr3:195,868,221, G>A on the plus strand (C>T on the coding strand, the complement: TNK2 is on the minus strand). VCF-style: chr3-195868221-G-A. GRCh37 (hg19) VCF-style: chr3-195595092-G-A.
Other names: c.2149C>T, p.Arg717Trp (NM_001010938.2, NM_001382272.1); c.2128C>T, p.Arg710Trp (NM_001308046.2, NM_001382271.1); c.2077C>T, p.Arg693Trp (NM_001382274.1, NM_001387716.1, NM_001387717.1 and 1 more transcripts); c.2173C>T, p.Arg725Trp (NM_001382275.1, NM_001387707.1); c.2032C>T, p.Arg678Trp (NM_001386164.1, NM_001387709.1, NM_001387720.1 and 8 more transcripts); c.2104C>T, p.Arg702Trp (NM_001387708.1, NM_001387715.1); short protein forms R678W, R717W, R693W, R710W, R702W, R725W.
Identifiers: ClinVar variation 3711259 (VCV003711259.2).

ClinVar aggregate classification (germline): Uncertain significance (1 of 4 stars; one submission).

gnomAD v4.1: 56 of 1,606,482 alleles (0.0035%); highest among the groups gnomAD compares: South Asian, 0.012%; no homozygotes.

Submission:

Labcorp Genetics (formerly Invitae), Labcorp
Classification: Uncertain significance. Last evaluated: 2024-05-23. Review status: criteria provided, single submitter. Criteria: Invitae Variant Classification Sherloc (09022015). Collection method: clinical testing. Allele origin: germline.
Comment: This sequence change replaces arginine, which is basic and polar, with tryptophan, which is neutral and slightly polar, at codon 756 of the TNK2 protein (p.Arg756Trp). This variant is present in population databases (rs748815812, gnomAD 0.01%). This variant has not been reported in the literature in individuals affected with TNK2-related conditions. An algorithm developed to predict the effect of missense changes on protein structure and function (PolyPhen-2) suggests that this variant is likely to be disruptive. In summary, the available evidence is currently insufficient to determine the role of this variant in disease. Therefore, it has been classified as a Variant of Uncertain Significance.